The following is an entry in ClinVar:

NM_199355.4(ADAMTS18):c.3214G>A (p.Val1072Met)

Gene: ADAMTS18 (ADAM metallopeptidase with thrombospondin type 1 motif 18; minus strand). Cytogenetic location: 16q23.1.
Variant type: single nucleotide variant.
Coding change: c.3214G>A on transcript NM_199355.4 (MANE Select); coding-DNA position 3214, G replaced by A.
Protein change: p.Val1072Met; replaces valine 1072 with methionine.
Molecular consequence: missense variant.
Genome position (GRCh38, 1-based): chr16:77,291,454, C>T on the plus strand (G>A on the coding strand, the complement: ADAMTS18 is on the minus strand). VCF-style: chr16-77291454-C-T. GRCh37 (hg19) VCF-style: chr16-77325351-C-T.
Other names: c.2698G>A, p.Val900Met (NM_001326358.2); short protein forms V900M, V1072M.
Identifiers: ClinVar variation 1438441 (VCV001438441.8), dbSNP rs1316651695, ClinGen allele CA396832533.

ClinVar aggregate classification (germline): Uncertain significance (1 of 4 stars; one submission).

Allele frequency attached by ClinVar (database versions not stated): TOPMed below 0.00001; gnomAD 0.00001.
gnomAD v4.1: 1 of 1,614,094 alleles (0.000062%); highest among the groups gnomAD compares: Non-Finnish European, 0.000085%; no homozygotes.

Submission:

Labcorp Genetics (formerly Invitae), Labcorp
Classification: Uncertain significance. Last evaluated: 2022-08-16. Review status: criteria provided, single submitter. Criteria: Invitae Variant Classification Sherloc (09022015). Collection method: clinical testing. Allele origin: germline.
Comment: In summary, the available evidence is currently insufficient to determine the role of this variant in disease. Therefore, it has been classified as a Variant of Uncertain Significance. Algorithms developed to predict the effect of missense changes on protein structure and function are either unavailable or do not agree on the potential impact of this missense change (SIFT: "Not Available"; PolyPhen-2: "Benign"; Align-GVGD: "Not Available"). ClinVar contains an entry for this variant (Variation ID: 1438441). This variant has not been reported in the literature in individuals affected with ADAMTS18-related conditions. This variant is not present in population databases (gnomAD no frequency). This sequence change replaces valine, which is neutral and non-polar, with methionine, which is neutral and non-polar, at codon 1072 of the ADAMTS18 protein (p.Val1072Met).